The following is an entry in ClinVar:

ClinVar aggregate classification (germline): Uncertain significance. Review status: criteria provided, multiple submitters, no conflicts (2 of 4 stars). 2 submissions from 2 submitters: Uncertain significance (2). Last evaluated 2024-11-13.

Conditions:
Inborn genetic diseases. Identifiers: MedGen C0950123, MeSH D030342.

Allele frequency attached by ClinVar (database versions not stated): ExAC 0.00001; gnomAD 0.00001; gnomAD exomes 0.00001; TOPMed 0.00001; 1000 Genomes Project 0.00020; 1000 Genomes Project 30x 0.00031.

Submissions (2):

Ambry Genetics
Classification: Uncertain significance for Inborn genetic diseases. Last evaluated: 2024-11-13. Review status: criteria provided, single submitter. Criteria: Ambry Variant Classification Scheme 2023. Collection method: clinical testing. Allele origin: germline.

Labcorp Genetics (formerly Invitae), Labcorp
Classification: Uncertain significance. Last evaluated: 2022-05-13. Review status: criteria provided, single submitter. Criteria: Invitae Variant Classification Sherloc (09022015). Collection method: clinical testing. Allele origin: germline.
Comment: This sequence change replaces glutamic acid, which is acidic and polar, with lysine, which is basic and polar, at codon 1165 of the CNGB1 protein (p.Glu1165Lys). This variant is present in population databases (rs200169932, gnomAD 0.02%). This variant has not been reported in the literature in individuals affected with CNGB1-related conditions. Advanced modeling of protein sequence and biophysical properties (such as structural, functional, and spatial information, amino acid conservation, physicochemical variation, residue mobility, and thermodynamic stability) performed at Invitae indicates that this missense variant is not expected to disrupt CNGB1 protein function. In summary, the available evidence is currently insufficient to determine the role of this variant in disease. Therefore, it has been classified as a Variant of Uncertain Significance.

NM_001297.5(CNGB1):c.3493G>A (p.Glu1165Lys)

Gene: CNGB1 (cyclic nucleotide gated channel subunit beta 1; minus strand). Cytogenetic location: 16q21.
Variant type: single nucleotide variant.
Coding change: c.3493G>A on transcript NM_001297.5 (MANE Select); coding-DNA position 3493, G replaced by A.
Protein change: p.Glu1165Lys; replaces glutamic acid 1165 with lysine.
Molecular consequence: missense variant.
Genome position (GRCh38, 1-based): chr16:57,884,427, C>T on the plus strand (G>A on the coding strand, the complement: CNGB1 is on the minus strand). VCF-style: chr16-57884427-C-T. GRCh37 (hg19) VCF-style: chr16-57918331-C-T.
Other names: c.3475G>A, p.Glu1159Lys (NM_001286130.2); c.3493G>A (NM_001297.4); short protein forms E1159K, E1165K.
Identifiers: ClinVar variation 1932001 (VCV001932001.3), dbSNP rs200169932, ClinGen allele CA8082528.
Genomic context (GRCh38, chr16:57,884,427, plus strand): 5'-CGGGTGGGTCGGTGGCGGCCTCCTTTGGGTGCGTGTGCTGGTCTGGGGCGGCGGAGCCTT[C>T]CTCTCCCTTGACGTCTTGCGAGCTCTTGGCCTGGAATCCAGAAAGGGTGACTCGTGAGGC-3'
Protein context (NP_001288.3, residues 1155-1175): AKSSQDVKGE[Glu1165Lys]GSAAPDQHTH